The following is an entry in ClinVar:

NM_000359.3(TGM1):c.2347C>T (p.Gln783Ter)

Gene: TGM1 (transglutaminase 1; minus strand). Cytogenetic location: 14q12.
Variant type: single nucleotide variant.
Coding change: c.2347C>T on transcript NM_000359.3 (MANE Select); coding-DNA position 2347, C replaced by T.
Protein change: p.Gln783Ter; replaces glutamine 783 with a stop codon.
Molecular consequence: nonsense.
Genome position (GRCh38, 1-based): chr14:24,249,420, G>A on the plus strand (C>T on the coding strand, the complement: TGM1 is on the minus strand). VCF-style: chr14-24249420-G-A. GRCh37 (hg19) VCF-style: chr14-24718626-G-A.
Other names: short protein forms Q783*.
Identifiers: ClinVar variation 5003388 (VCV005003388.1).

ClinVar aggregate classification (germline): Uncertain significance (1 of 4 stars; one submission).

Conditions:
Autosomal recessive congenital ichthyosis 1 (LI1). Also called: ICHTHYOSIS, CONGENITAL, AUTOSOMAL RECESSIVE 1, WITH BATHING SUIT DISTRIBUTION; ICHTHYOSIS, CONGENITAL, AUTOSOMAL RECESSIVE 1, WITH OR WITHOUT BATHING SUIT DISTRIBUTION; COLLODION FETUS; DESQUAMATION OF NEWBORN; ICHTHYOSIS CONGENITA; ICHTHYOSIS CONGENITA II. Identifiers: MedGen C4551630, MONDO:0009441, OMIM 242300.

gnomAD v4.1: 6 of 1,614,104 alleles (0.00037%); highest among the groups gnomAD compares: Non-Finnish European, 0.00051%; no homozygotes.

Submission:

Myriad Genetics, Inc.
Classification: Uncertain significance for Autosomal recessive congenital ichthyosis 1. Last evaluated: 2025-08-28. Review status: criteria provided, single submitter. Criteria: Myriad Autosomal Dominant, Autosomal Recessive and X-Linked Classification Criteria (2023). Collection method: clinical testing. Allele origin: unknown.
Comment: NM_000359.2(TGM1):c.2347C>T(Q783*) is a missense variant classified as a variant of uncertain significance in the context of TGM1-related autosomal recessive congenital ichthyosis. Q783* has not been observed in cases with relevant disease. Relevant functional assessments of this variant are not available in the literature. Q783* has been observed in referenced population frequency databases. In summary, there is insufficient evidence to classify NM_000359.2(TGM1):c.2347C>T(Q783*) as pathogenic or benign. Please note: this variant was assessed in the context of healthy population screening.